The following is an entry in ClinVar:

NM_001367624.2(ZNF469):c.9173T>A (p.Leu3058Gln)

Gene: ZNF469 (zinc finger protein 469; plus strand). Cytogenetic location: 16q24.2.
Variant type: single nucleotide variant.
Coding change: c.9173T>A on transcript NM_001367624.2 (MANE Select); coding-DNA position 9173, T replaced by A.
Protein change: p.Leu3058Gln; replaces leucine 3058 with glutamine.
Molecular consequence: missense variant.
Genome position (GRCh38, 1-based): chr16:88,436,643, T>A. VCF-style: chr16-88436643-T-A. GRCh37 (hg19) VCF-style: chr16-88503051-T-A.
Other names: NM_001127464.1:c.9089T>A; NM_001127464.2:c.9089T>A; short protein forms L3058Q.
Identifiers: ClinVar variation 1212570 (VCV001212570.12), dbSNP rs796755347, ClinGen allele CA286385114.

ClinVar aggregate classification (germline): Likely benign. Review status: criteria provided, multiple submitters, no conflicts (2 of 4 stars). 5 submissions from 5 submitters: Likely benign (5). Last evaluated 2025-10-01.

Conditions:
ZNF469-related disorder. Also called: ZNF469-related condition.
Cardiovascular phenotype. Identifiers: MedGen CN230736.

Allele frequency attached by ClinVar (database versions not stated): gnomAD 0.00001; gnomAD exomes 0.00004 and 0.00035; TOPMed 0.00012.
gnomAD v4.1: 62 of 1,550,284 alleles (0.004%); highest among the groups gnomAD compares: Admixed American, 0.12%; 1 homozygote.

Submissions (5):

PreventionGenetics, part of Exact Sciences
Classification: Likely benign for ZNF469-related condition. Last evaluated: 2025-10-01. Review status: criteria provided, single submitter. Criteria: ACMG Guidelines, 2015. Collection method: clinical testing. Allele origin: germline.
Comment: This variant is classified as likely benign based on ACMG/AMP sequence variant interpretation guidelines (Richards et al. 2015 PMID: 25741868, with internal and published modifications).

Labcorp Genetics (formerly Invitae), Labcorp
Classification: Likely benign. Last evaluated: 2025-01-30. Review status: criteria provided, single submitter. Criteria: Invitae Variant Classification Sherloc (09022015). Collection method: clinical testing. Allele origin: germline.

Women's Health and Genetics/Laboratory Corporation of America, LabCorp
Classification: Likely benign. Last evaluated: 2025-01-03. Review status: criteria provided, single submitter. Criteria: LabCorp Variant Classification Summary - May 2015. Collection method: clinical testing. Allele origin: germline.
Comment: Variant summary: ZNF469 c.9173T>A (p.Leu3058Gln) results in a non-conservative amino acid change in the encoded protein sequence. Two of four in-silico tools predict a benign effect of the variant on protein function. The variant allele was found at a frequency of 0.00035 in 152986 control chromosomes, predominantly at a frequency of 0.0021 within the Latino subpopulation in the gnomAD database, including 1 homozygotes. This frequency is approximately equal to the estimated maximal expected allele frequency for a pathogenic variant in ZNF469 causing Brittle cornea syndrome 1. To our knowledge, no occurrence of c.9173T>A in individuals affected with Brittle cornea syndrome 1 and no experimental evidence demonstrating its impact on protein function have been reported. ClinVar contains an entry for this variant (Variation ID: 1212570). Based on the evidence outlined above, the variant was classified as likely benign.

GeneDx
Classification: Likely benign. Last evaluated: 2019-11-13. Review status: criteria provided, single submitter. Criteria: GeneDx Variant Classification Process June 2021. Collection method: clinical testing. Allele origin: germline. Affected: yes.

Ambry Genetics
Classification: Likely benign for Cardiovascular phenotype. Last evaluated: 2019-11-10. Review status: criteria provided, single submitter. Criteria: Ambry Variant Classification Scheme 2023. Collection method: clinical testing. Allele origin: germline.